The following is an entry in ClinVar:

NM_000069.3(CACNA1S):c.153-321G>A

Gene: CACNA1S (calcium voltage-gated channel subunit alpha1 S; minus strand). Cytogenetic location: 1q32.1.
Variant type: single nucleotide variant.
Coding change: c.153-321G>A on transcript NM_000069.3 (MANE Select); 321 bases into the intron before coding-DNA position 153, G replaced by A.
Molecular consequence: intron variant.
Genome position (GRCh38, 1-based): chr1:201,110,590, C>T on the plus strand (G>A on the coding strand, the complement: CACNA1S is on the minus strand). VCF-style: chr1-201110590-C-T. GRCh37 (hg19) VCF-style: chr1-201079718-C-T.
Identifiers: ClinVar variation 671251 (VCV000671251.1), dbSNP rs10920121, ClinGen allele CA10697348.

ClinVar aggregate classification (germline): Benign (1 of 4 stars; one submission).

Allele frequency attached by ClinVar (database versions not stated): gnomAD 0.44719 and 0.45457; TOPMed 0.47134; 1000 Genomes Project 30x 0.54934; 1000 Genomes Project 0.55631.

Submission:

GeneDx
Classification: Benign. Last evaluated: 2018-06-14. Review status: criteria provided, single submitter. Criteria: GeneDx Variant Classification (06012015). Collection method: clinical testing. Allele origin: germline. Affected: yes.
Comment: This variant is considered likely benign or benign based on one or more of the following criteria: it is a conservative change, it occurs at a poorly conserved position in the protein, it is predicted to be benign by multiple in silico algorithms, and/or has population frequency not consistent with disease.